The following is an entry in ClinVar:

NM_177438.3(DICER1):c.1144_1148dup (p.Ile383fs)

Gene: DICER1 (dicer 1, ribonuclease III; minus strand). Cytogenetic location: 14q32.13.
Variant type: Duplication.
Coding change: c.1144_1148dup on transcript NM_177438.3 (MANE Select); coding-DNA positions 1144 to 1148, 5 bases duplicated (GAAAT; older notation c.1144_1148dupGAAAT).
Protein change: p.Ile383fs; shifts the reading frame from isoleucine 383.
Molecular consequence: frameshift variant.
Genome position (GRCh38, 1-based): chr14:95,124,424-95,124,428, ATTTC duplicated on the plus strand (GAAAT on the coding strand, the reverse complement: DICER1 is on the minus strand). VCF-style (leftmost placement, unchanged base first): chr14-95124423-G-GATTTC. GRCh37 (hg19) VCF-style: chr14-95590760-G-GATTTC.
Other names: p.I383MfsX77; c.1144_1148dup, p.Ile383fs (NM_001195573.1, NM_001271282.3, NM_001291628.2 and 1 more transcripts); short protein forms I383fs.
Identifiers: ClinVar variation 1217317 (VCV001217317.2), dbSNP rs2140204512, ClinGen allele CA2499222822.
Genomic context (GRCh38, chr14:95,124,423, plus strand): 5'-ATTATTATACCACTCAACGCTTTCAAACTGCTGTCGCTCATATGGTTTATATTTGCGTAA[G>GATTTC]ATTTCGAGCAGTTTGATTACTTTAGGAGTTACAAATTTCAGGTCAAGTGAGGCAGGTGAG-3'

ClinVar aggregate classification (germline): Pathogenic (1 of 4 stars; one submission).

Conditions:
DICER1-related tumor predisposition. Also called: DICER1-related pleuropulmonary blastoma cancer predisposition syndrome; DICER1 syndrome. Identifiers: Orphanet 284343, MedGen C3839822, MONDO:0100216.

Submission:

Foulkes Cancer Genetics LDI, Lady Davis Institute for Medical Research
Classification: Pathogenic for Pleuropulmonary blastoma. Last evaluated: 2019-07-01. Review status: criteria provided, single submitter. Criteria: ACMG Guidelines, 2015. Collection method: curation. Allele origin: unknown. Affected: yes. Observed: 1 variant allele.
Comment: ACMG criteria met: PVS1, PM1, PM2, PP4

Literature cited by the submitters: PubMed 24675358.